The following is an entry in ClinVar:

NM_001037171.2(ACOT9):c.1105C>G (p.Gln369Glu)

Gene: ACOT9 (acyl-CoA thioesterase 9; minus strand). Cytogenetic location: Xp22.11.
Variant type: single nucleotide variant.
Coding change: c.1105C>G on transcript NM_001037171.2 (MANE Select); coding-DNA position 1105, C replaced by G.
Protein change: p.Gln369Glu; replaces glutamine 369 with glutamic acid.
Molecular consequence: missense variant.
Genome position (GRCh38, 1-based): chrX:23,704,995, G>C on the plus strand (C>G on the coding strand, the complement: ACOT9 is on the minus strand). VCF-style: chrX-23704995-G-C. GRCh37 (hg19) VCF-style: chrX-23723112-G-C.
Other names: c.1078C>G, p.Gln360Glu (NM_001033583.3); c.898C>G, p.Gln300Glu (NM_001330259.2); short protein forms Q300E, Q360E, Q369E.
Identifiers: ClinVar variation 2660169 (VCV002660169.24), dbSNP rs781695729, ClinGen allele CA10369536.

ClinVar aggregate classification (germline): Likely benign (1 of 4 stars; one submission).

Allele frequency attached by ClinVar (database versions not stated): ExAC 0.00001; gnomAD exomes 0.00001; gnomAD 0.00002; 1000 Genomes Project 30x 0.00021; 1000 Genomes Project 0.00026.
gnomAD v4.1: 9 of 1,207,908 alleles (0.00075%); highest among the groups gnomAD compares: South Asian, 0.016%; no homozygotes.

Submission:

CeGaT Center for Human Genetics Tuebingen
Classification: Likely benign. Last evaluated: 2022-12-01. Review status: criteria provided, single submitter. Criteria: CeGaT Center For Human Genetics Tuebingen Variant Classification Criteria Version 2. Collection method: clinical testing. Allele origin: germline. Affected: yes. Observed: 1 variant allele.
Comment: ACOT9: BS2